The following is an entry in ClinVar:

ClinVar aggregate classification (germline): Uncertain significance (1 of 4 stars; one submission).

Allele frequency attached by ClinVar (database versions not stated): TOPMed 0.00001.

Submission:

Labcorp Genetics (formerly Invitae), Labcorp
Classification: Uncertain significance. Last evaluated: 2023-05-01. Review status: criteria provided, single submitter. Criteria: Invitae Variant Classification Sherloc (09022015). Collection method: clinical testing. Allele origin: germline.
Comment: Algorithms developed to predict the effect of sequence changes on RNA splicing suggest that this variant may disrupt the consensus splice site. ClinVar contains an entry for this variant (Variation ID: 2118782). This variant has not been reported in the literature in individuals affected with ASRGL1-related conditions. The frequency data for this variant in the population databases is considered unreliable, as metrics indicate poor data quality at this position in the gnomAD database. This sequence change affects an acceptor splice site in intron 2 of the ASRGL1 gene. It is expected to disrupt RNA splicing. Variants that disrupt the donor or acceptor splice site typically lead to a loss of protein function (PMID: 16199547), however the current clinical and genetic evidence is not sufficient to establish whether loss-of-function variants in ASRGL1 cause disease. In summary, the available evidence is currently insufficient to determine the role of this variant in disease. Therefore, it has been classified as a Variant of Uncertain Significance.

Literature cited by the submitters: PubMed 16199547.

NM_001083926.2(ASRGL1):c.191-1G>C

Gene: ASRGL1 (asparaginase and isoaspartyl peptidase 1; plus strand). Cytogenetic location: 11q12.3.
Variant type: single nucleotide variant.
Coding change: c.191-1G>C on transcript NM_001083926.2 (MANE Select); the canonical splice acceptor site of the intron before coding-DNA position 191, G replaced by C.
Molecular consequence: splice acceptor variant.
Genome position (GRCh38, 1-based): chr11:62,356,324, G>C. VCF-style: chr11-62356324-G-C. GRCh37 (hg19) VCF-style: chr11-62123796-G-C.
Other names: c.191-1G>C (NM_025080.4).
Identifiers: ClinVar variation 2118782 (VCV002118782.4), dbSNP rs1260441603, ClinGen allele CA380865014.